The following is an entry in ClinVar:

NM_016341.4(PLCE1):c.5549G>A (p.Cys1850Tyr)

Gene: PLCE1 (phospholipase C epsilon 1; plus strand). Cytogenetic location: 10q23.33.
Variant type: single nucleotide variant.
Coding change: c.5549G>A on transcript NM_016341.4 (MANE Select); coding-DNA position 5549, G replaced by A.
Protein change: p.Cys1850Tyr; replaces cysteine 1850 with tyrosine.
Molecular consequence: missense variant.
Genome position (GRCh38, 1-based): chr10:94,304,572, G>A. VCF-style: chr10-94304572-G-A. GRCh37 (hg19) VCF-style: chr10-96064329-G-A.
Other names: c.4625G>A, p.Cys1542Tyr (NM_001165979.2); c.5501G>A, p.Cys1834Tyr (NM_001288989.2); short protein forms C1850Y, C1542Y, C1834Y.
Identifiers: ClinVar variation 266011 (VCV000266011.5), dbSNP rs776276690, ClinGen allele CA5613382.

ClinVar aggregate classification (germline): Uncertain significance. Review status: criteria provided, multiple submitters, no conflicts (2 of 4 stars). 4 submissions from 4 submitters: Uncertain significance (3). 1 of the submissions does not count toward it. Last evaluated 2026-08-06.

Conditions:
Inborn genetic diseases. Identifiers: MedGen C0950123, MeSH D030342.
Nephrotic syndrome, type 3 (NPHS3). Also called: NEPHROTIC SYNDROME, EARLY-ONSET, TYPE 3. Identifiers: Orphanet 656, MedGen C1853124, MONDO:0012546, OMIM 610725.

Allele frequency attached by ClinVar (database versions not stated): gnomAD exomes 0.00003 and 0.00002; TOPMed 0.00003; ExAC 0.00002; gnomAD 0.00002.

Submissions (4):

OLLIN Analises Genomicas, OLLIN
Classification: Uncertain significance for Nephrotic syndrome, type 3. Last evaluated: 2026-08-06. Review status: criteria provided, single submitter. Criteria: ACMG Guidelines 2015 PMID 25741868. Collection method: clinical testing. Allele origin: germline. Inheritance: Autosomal recessive inheritance.
Comment: This missense variant, located in exon 25 (of 33), has been reported in ClinVar (accession VCV000266011.4) and in gnomAD with an allele frequency of 0.0033%. However, to our knowledge, it has not been reported in the scientific literature. In silico analysis is inconclusive regarding the impact of this variant. According to the currently available evidence, this variant has been classified as uncertain significance (PM2_P).

Ambry Genetics
Classification: Uncertain significance for Inborn genetic diseases. Last evaluated: 2024-02-14. Review status: criteria provided, single submitter. Criteria: Ambry Variant Classification Scheme 2023. Collection method: clinical testing. Allele origin: germline.

Fulgent Genetics
Classification: Uncertain significance for Nephrotic syndrome, type 3. Last evaluated: 2023-12-28. Review status: criteria provided, single submitter. Criteria: ACMG Guidelines, 2015. Collection method: clinical testing. Allele origin: germline.

Bioscientia Institut fuer Medizinische Diagnostik GmbH, Sonic Healthcare
Classification: Uncertain significance for Nephrotic syndrome, type 3. Review status: no assertion criteria provided. Collection method: clinical testing. Allele origin: germline. Affected: yes. Not counted in ClinVar's aggregate classification.